The following is an entry in ClinVar:

NM_198576.4(AGRN):c.4124C>T (p.Pro1375Leu)

Gene: AGRN (agrin; plus strand). Cytogenetic location: 1p36.33.
Variant type: single nucleotide variant.
Coding change: c.4124C>T on transcript NM_198576.4 (MANE Select); coding-DNA position 4124, C replaced by T.
Protein change: p.Pro1375Leu; replaces proline 1375 with leucine.
Molecular consequence: missense variant.
Genome position (GRCh38, 1-based): chr1:1,048,885, C>T. VCF-style: chr1-1048885-C-T. GRCh37 (hg19) VCF-style: chr1-984265-C-T.
Other names: c.4124C>T, p.Pro1375Leu (NM_001305275.2); c.3809C>T, p.Pro1270Leu (NM_001364727.2); short protein forms P1270L, P1375L.
Identifiers: ClinVar variation 967688 (VCV000967688.12), dbSNP rs750116279, ClinGen allele CA509328.

ClinVar aggregate classification (germline): Uncertain significance. Review status: criteria provided, multiple submitters, no conflicts (2 of 4 stars). 2 submissions from 2 submitters: Uncertain significance (2). Last evaluated 2024-09-06.

Conditions:
Congenital myasthenic syndrome 8. Also called: MYASTHENIC SYNDROME, CONGENITAL, DUE TO AGRIN DEFICIENCY; Myasthenic syndrome, congenital, 8, with pre- and postsynaptic defects. Identifiers: Orphanet 590, MedGen C3808739, MONDO:0014052, OMIM 615120.

Allele frequency attached by ClinVar (database versions not stated): gnomAD 0.00005 and 0.00006; TOPMed 0.00005; gnomAD exomes 0.00007; ExAC 0.00022.
gnomAD v4.1: 57 of 1,541,708 alleles (0.0037%); highest among the groups gnomAD compares: South Asian, 0.025%; 1 homozygote.

Submissions (2):

Labcorp Genetics (formerly Invitae), Labcorp
Classification: Uncertain significance for Congenital myasthenic syndrome 8. Last evaluated: 2024-09-06. Review status: criteria provided, single submitter. Criteria: Invitae Variant Classification Sherloc (09022015). Collection method: clinical testing. Allele origin: germline.
Comment: This sequence change replaces proline, which is neutral and non-polar, with leucine, which is neutral and non-polar, at codon 1375 of the AGRN protein (p.Pro1375Leu). The frequency data for this variant in the population databases is considered unreliable, as metrics indicate poor data quality at this position in the gnomAD database. This variant has not been reported in the literature in individuals affected with AGRN-related conditions. ClinVar contains an entry for this variant (Variation ID: 967688). An algorithm developed to predict the effect of missense changes on protein structure and function (PolyPhen-2) suggests that this variant is likely to be disruptive. In summary, the available evidence is currently insufficient to determine the role of this variant in disease. Therefore, it has been classified as a Variant of Uncertain Significance.

Revvity Omics, Revvity
Classification: Uncertain significance for Congenital myasthenic syndrome 8. Last evaluated: 2022-06-13. Review status: criteria provided, single submitter. Criteria: ACMG Guidelines, 2015. Collection method: clinical testing. Allele origin: germline.